The following is an entry in ClinVar:

ClinVar aggregate classification (germline): Uncertain significance (1 of 4 stars; one submission).

Conditions:
Microcephaly, normal intelligence and immunodeficiency (NBS). Also called: BERLIN BREAKAGE SYNDROME; SEEMANOVA SYNDROME II; Ataxia telangiectasia variant V1; IMMUNODEFICIENCY, MICROCEPHALY, AND CHROMOSOMAL INSTABILITY; Immunodeficiency, microcephaly with normal intelligence; Nijmegen breakage syndrome. Identifiers: Orphanet 647, MedGen C0398791, MONDO:0009623, OMIM 251260.

Submission:

Labcorp Genetics (formerly Invitae), Labcorp
Classification: Uncertain significance for Microcephaly, normal intelligence and immunodeficiency. Last evaluated: 2021-08-24. Review status: criteria provided, single submitter. Criteria: Invitae Variant Classification Sherloc (09022015). Collection method: clinical testing. Allele origin: germline.
Comment: Algorithms developed to predict the effect of missense changes on protein structure and function output the following: SIFT: "Tolerated"; PolyPhen-2: "Benign"; Align-GVGD: "Class C0". The glutamic acid amino acid residue is found in multiple mammalian species, suggesting that this missense change does not adversely affect protein function. These predictions have not been confirmed by published functional studies and their clinical significance is uncertain. In summary, the available evidence is currently insufficient to determine the role of this variant in disease. Therefore, it has been classified as a Variant of Uncertain Significance. This sequence change replaces aspartic acid with glutamic acid at codon 641 of the NBN protein (p.Asp641Glu). The aspartic acid residue is weakly conserved and there is a small physicochemical difference between aspartic acid and glutamic acid. This variant is not present in population databases (ExAC no frequency). This variant has not been reported in the literature in individuals with NBN-related disease.

NM_002485.5(NBN):c.1923C>A (p.Asp641Glu)

Gene: NBN (nibrin; minus strand). Cytogenetic location: 8q21.3.
Variant type: single nucleotide variant.
Coding change: c.1923C>A on transcript NM_002485.5 (MANE Select); coding-DNA position 1923, C replaced by A.
Protein change: p.Asp641Glu; replaces aspartic acid 641 with glutamic acid.
Molecular consequence: missense variant.
Genome position (GRCh38, 1-based): chr8:89,946,287, G>T on the plus strand (C>A on the coding strand, the complement: NBN is on the minus strand). VCF-style: chr8-89946287-G-T. GRCh37 (hg19) VCF-style: chr8-90958515-G-T.
Other names: c.1677C>A, p.Asp559Glu (NM_001024688.3); short protein forms D641E, D559E.
Identifiers: ClinVar variation 576106 (VCV000576106.8), dbSNP rs1563513669, ClinGen allele CA371676796.